The following is an entry in ClinVar:

ClinVar aggregate classification (germline): Uncertain significance (1 of 4 stars; one submission).

Conditions:
Pierson syndrome. Also called: MICROCORIA-CONGENITAL NEPHROTIC SYNDROME. Identifiers: Orphanet 2670, MedGen C1836876, MONDO:0012184, OMIM 609049.
LAMB2-related infantile-onset nephrotic syndrome. Also called: Nephrotic Syndrome, type 5; NEPHROTIC SYNDROME, TYPE 5, WITHOUT OCULAR ABNORMALITIES; NEPHROTIC SYNDROME, TYPE 5, WITH OCULAR ABNORMALITIES. Identifiers: Orphanet 306507, MedGen C3280113, MONDO:0013621, OMIM 614199.

Allele frequency attached by ClinVar (database versions not stated): gnomAD exomes below 0.00001.
gnomAD v4.1: 1 of 1,613,900 alleles (0.000062%); highest among the groups gnomAD compares: South Asian, 0.0011%; no homozygotes.

Submission:

Labcorp Genetics (formerly Invitae), Labcorp
Classification: Uncertain significance for LAMB2-related infantile-onset nephrotic syndrome; Pierson syndrome. Last evaluated: 2022-04-25. Review status: criteria provided, single submitter. Criteria: Invitae Variant Classification Sherloc (09022015). Collection method: clinical testing. Allele origin: germline.
Comment: In summary, the available evidence is currently insufficient to determine the role of this variant in disease. Therefore, it has been classified as a Variant of Uncertain Significance. Algorithms developed to predict the effect of missense changes on protein structure and function (SIFT, PolyPhen-2, Align-GVGD) all suggest that this variant is likely to be tolerated. This sequence change replaces aspartic acid, which is acidic and polar, with glycine, which is neutral and non-polar, at codon 1378 of the LAMB2 protein (p.Asp1378Gly). This variant is not present in population databases (gnomAD no frequency). This variant has not been reported in the literature in individuals affected with LAMB2-related conditions.

NM_002292.4(LAMB2):c.4133A>G (p.Asp1378Gly)

Gene: LAMB2 (laminin subunit beta 2; minus strand). Cytogenetic location: 3p21.31.
Variant type: single nucleotide variant.
Coding change: c.4133A>G on transcript NM_002292.4 (MANE Select); coding-DNA position 4133, A replaced by G.
Protein change: p.Asp1378Gly; replaces aspartic acid 1378 with glycine.
Molecular consequence: missense variant.
Genome position (GRCh38, 1-based): chr3:49,123,223, T>C on the plus strand (A>G on the coding strand, the complement: LAMB2 is on the minus strand). VCF-style: chr3-49123223-T-C. GRCh37 (hg19) VCF-style: chr3-49160656-T-C.
Other names: short protein forms D1378G.
Identifiers: ClinVar variation 2050075 (VCV002050075.4), dbSNP rs2472534684, ClinGen allele CA352696033.